The following is an entry in ClinVar:

ClinVar aggregate classification (germline): Uncertain significance (1 of 4 stars; one submission).

Conditions:
Ehlers-Danlos syndrome, classic type, 1 (EDSCL1). Also called: EHLERS-DANLOS SYNDROME, GRAVIS TYPE; EHLERS-DANLOS SYNDROME, SEVERE CLASSIC TYPE; Ehlers-Danlos syndrome, type 1; Ehlers-Danlos Syndrome, Classic Type, COL5A1-Related; EDS I. Identifiers: MedGen C0268335, MONDO:0019567, OMIM 130000.

gnomAD v4.1: 5 of 1,614,024 alleles (0.00031%); highest among the groups gnomAD compares: Non-Finnish European, 0.00042%; no homozygotes.

Submission:

Labcorp Genetics (formerly Invitae), Labcorp
Classification: Uncertain significance for Ehlers-Danlos syndrome, classic type, 1. Last evaluated: 2026-02-02. Review status: criteria provided, single submitter. Criteria: Invitae Variant Classification Sherloc (09022015). Collection method: clinical testing. Allele origin: germline.
Comment: This sequence change replaces methionine, which is neutral and non-polar, with valine, which is neutral and non-polar, at codon 465 of the COL5A1 protein (p.Met465Val). This variant is not present in population databases (gnomAD no frequency). This variant has not been reported in the literature in individuals affected with COL5A1-related conditions. Invitae Evidence Modeling of protein sequence and biophysical properties (such as structural, functional, and spatial information, amino acid conservation, physicochemical variation, residue mobility, and thermodynamic stability) indicates that this missense variant is not expected to disrupt COL5A1 protein function with a negative predictive value of 95%. In summary, the available evidence is currently insufficient to determine the role of this variant in disease. Therefore, it has been classified as a Variant of Uncertain Significance.

NM_000093.5(COL5A1):c.1393A>G (p.Met465Val)

Gene: COL5A1 (collagen type V alpha 1 chain; plus strand). Cytogenetic location: 9q34.3.
Variant type: single nucleotide variant.
Coding change: c.1393A>G on transcript NM_000093.5 (MANE Select); coding-DNA position 1393, A replaced by G.
Protein change: p.Met465Val; replaces methionine 465 with valine.
Molecular consequence: missense variant.
Genome position (GRCh38, 1-based): chr9:134,738,477, A>G. VCF-style: chr9-134738477-A-G. GRCh37 (hg19) VCF-style: chr9-137630323-A-G.
Other names: c.1393A>G, p.Met465Val (NM_001278074.1); short protein forms M465V.
Identifiers: ClinVar variation 4746093 (VCV004746093.1).
Genomic context (GRCh38, chr9:134,738,477, plus strand): 5'-CTGGGGTGTCGGGAGGGATGGGCTGCGGTCTCAGACGCCCTCTCTCTGTCTCCCCAGGGC[A>G]TGCTCATCGAGGGCCCGCCTGGCCCAGAAGGCCCCGCGGTGAGTATCCGGCTTTATCCTG-3'
Protein context (NP_000084.3, residues 455-475): KGEPAIIEPG[Met465Val]LIEGPPGPEG